The following is an entry in ClinVar:

NM_001384474.1(LOXHD1):c.1810-1G>A

Gene: LOXHD1 (lipoxygenase homology PLAT domains 1; minus strand). Cytogenetic location: 18q21.1.
Variant type: single nucleotide variant.
Coding change: c.1810-1G>A on transcript NM_001384474.1 (MANE Select); the canonical splice acceptor site of the intron before coding-DNA position 1810, G replaced by A.
Molecular consequence: splice acceptor variant.
Genome position (GRCh38, 1-based): chr18:46,577,868, C>T on the plus strand (G>A on the coding strand, the complement: LOXHD1 is on the minus strand). VCF-style: chr18-46577868-C-T. GRCh37 (hg19) VCF-style: chr18-44157831-C-T.
Other names: c.1810-1G>A (NM_144612.7).
Identifiers: ClinVar variation 1511176 (VCV001511176.8), dbSNP rs2144135103, ClinGen allele CA402378558.

ClinVar aggregate classification (germline): Likely pathogenic (1 of 4 stars; one submission).

Allele frequency attached by ClinVar (database versions not stated): gnomAD exomes below 0.00001.
gnomAD v4.1: 1 of 1,551,598 alleles (0.000064%); highest among the groups gnomAD compares: South Asian, 0.0012%; no homozygotes.

Submission:

Labcorp Genetics (formerly Invitae), Labcorp
Classification: Likely pathogenic. Last evaluated: 2021-04-10. Review status: criteria provided, single submitter. Criteria: Invitae Variant Classification Sherloc (09022015). Collection method: clinical testing. Allele origin: germline.
Comment: In summary, the currently available evidence indicates that the variant is pathogenic, but additional data are needed to prove that conclusively. Therefore, this variant has been classified as Likely Pathogenic. Algorithms developed to predict the effect of sequence changes on RNA splicing suggest that this variant may disrupt the consensus splice site, but this prediction has not been confirmed by published transcriptional studies. This variant has not been reported in the literature in individuals with LOXHD1-related conditions. This variant is not present in population databases (ExAC no frequency). This sequence change affects an acceptor splice site in intron 13 of the LOXHD1 gene. It is expected to disrupt RNA splicing. Variants that disrupt the donor or acceptor splice site typically lead to a loss of protein function (PMID: 16199547), and loss-of-function variants in LOXHD1 are known to be pathogenic (PMID: 19732867, 21465660, 25792669).

Literature cited by the submitters: PubMed 16199547; PubMed 19732867; PubMed 21465660; PubMed 25792669.